The following is an entry in ClinVar:

NM_014845.6(FIG4):c.2653G>A (p.Gly885Ser)

Gene: FIG4 (FIG4 phosphoinositide 5-phosphatase; plus strand). Cytogenetic location: 6q21.
Variant type: single nucleotide variant.
Coding change: c.2653G>A on transcript NM_014845.6 (MANE Select); coding-DNA position 2653, G replaced by A.
Protein change: p.Gly885Ser; replaces glycine 885 with serine.
Molecular consequence: missense variant.
Genome position (GRCh38, 1-based): chr6:109,825,194, G>A. VCF-style: chr6-109825194-G-A. GRCh37 (hg19) VCF-style: chr6-110146397-G-A.
Other names: short protein forms G885S.
Identifiers: ClinVar variation 1368360 (VCV001368360.5), dbSNP rs2128402684, ClinGen allele CA365225203.
Genomic context (GRCh38, chr6:109,825,194, plus strand): 5'-CCCCCAAGAGTAGACAGAAAATCTACAGAGATCTTCCAAGCCCACATCCAGGCCAGCCAA[G>A]GTATCATGCAGCCCCTAGGAAAAGAGGACTCCTCCATGTACCGAGAGTACATCAGGAACC-3'
Protein context (NP_055660.1, residues 875-895): IFQAHIQASQ[Gly885Ser]IMQPLGKEDS

ClinVar aggregate classification (germline): Uncertain significance (1 of 4 stars; one submission).

Conditions:
Charcot-Marie-Tooth disease type 4. Also called: Charcot-Marie-Tooth disease, type IV; Charcot-Marie-Tooth, Type 4. Identifiers: Orphanet 64749, MedGen C4082197, MONDO:0018995.

Allele frequency attached by ClinVar (database versions not stated): gnomAD exomes below 0.00001.
gnomAD v4.1: 1 of 1,614,050 alleles (0.000062%); highest among the groups gnomAD compares: East Asian, 0.0022%; no homozygotes.

Submission:

Labcorp Genetics (formerly Invitae), Labcorp
Classification: Uncertain significance for Charcot-Marie-Tooth disease type 4. Last evaluated: 2021-09-24. Review status: criteria provided, single submitter. Criteria: Invitae Variant Classification Sherloc (09022015). Collection method: clinical testing. Allele origin: germline.
Comment: This sequence change replaces glycine with serine at codon 885 of the FIG4 protein (p.Gly885Ser). The glycine residue is moderately conserved and there is a small physicochemical difference between glycine and serine. This variant is not present in population databases (ExAC no frequency). This variant has not been reported in the literature in individuals with FIG4-related conditions. Algorithms developed to predict the effect of missense changes on protein structure and function (SIFT, PolyPhen-2, Align-GVGD) all suggest that this variant is likely to be tolerated, but these predictions have not been confirmed by published functional studies and their clinical significance is uncertain. In summary, the available evidence is currently insufficient to determine the role of this variant in disease. Therefore, it has been classified as a Variant of Uncertain Significance.